The following is an entry in ClinVar:

ClinVar aggregate classification (germline): Likely benign. Review status: criteria provided, multiple submitters, no conflicts (2 of 4 stars). 5 submissions from 5 submitters: Likely benign (4). 1 of the submissions does not count toward it. Last evaluated 2025-08-25.

Conditions:
OTOG-related disorder. Also called: OTOG-related condition.

Allele frequency attached by ClinVar (database versions not stated): gnomAD exomes 0.00013 and 0.00026; gnomAD 0.00017 and 0.00019; TOPMed 0.00022; ExAC 0.00024.
gnomAD v4.1: 214 of 1,550,544 alleles (0.014%); highest among the groups gnomAD compares: Admixed American, 0.027%; 1 homozygote.

Submissions (5):

Labcorp Genetics (formerly Invitae), Labcorp
Classification: Likely benign. Last evaluated: 2025-08-25. Review status: criteria provided, single submitter. Criteria: Invitae Variant Classification Sherloc (09022015). Collection method: clinical testing. Allele origin: germline.

Blueprint Genetics
Classification: Likely benign. Last evaluated: 2024-10-31. Review status: criteria provided, single submitter. Criteria: ACMG Guidelines, 2015. Collection method: clinical testing. Allele origin: germline.

GeneDx
Classification: Likely benign. Last evaluated: 2020-08-10. Review status: criteria provided, single submitter. Criteria: GeneDx Variant Classification Process June 2021. Collection method: clinical testing. Allele origin: germline. Affected: yes.

Laboratory for Molecular Medicine, Mass General Brigham Personalized Medicine
Classification: Likely benign. Last evaluated: 2017-01-24. Review status: criteria provided, single submitter. Criteria: LMM Criteria. Collection method: clinical testing. Allele origin: germline. Observed: 1 variant allele.
Comment: p.Val1634Val in exon 35 of OTOG: This variant is not expected to have clinical s ignificance because it does not alter an amino acid residue and is not located w ithin the splice consensus sequence. It has been identified in 0.2% (16/8344) o f Ashkenazi Jewish chromosomes by the Genome Aggregation Database (gnomAD; dbSNP rs780581249).

PreventionGenetics, part of Exact Sciences
Classification: Likely benign for OTOG-related condition. Last evaluated: 2019-11-16. Review status: no assertion criteria provided. Collection method: clinical testing. Allele origin: germline. Not counted in ClinVar's aggregate classification.
Comment: This variant is classified as likely benign based on ACMG/AMP sequence variant interpretation guidelines (Richards et al. 2015 PMID: 25741868, with internal and published modifications).

NM_001292063.2(OTOG):c.4866C>T (p.Val1622=)

Gene: OTOG (otogelin; plus strand). Cytogenetic location: 11p15.1.
Variant type: single nucleotide variant.
Coding change: c.4866C>T on transcript NM_001292063.2 (MANE Select); coding-DNA position 4866, C replaced by T.
Protein change: p.Val1622=; no amino-acid change (valine 1622 retained).
Molecular consequence: synonymous variant.
Genome position (GRCh38, 1-based): chr11:17,610,166, C>T. VCF-style: chr11-17610166-C-T. GRCh37 (hg19) VCF-style: chr11-17631713-C-T.
Other names: c.4902C>T, p.Val1634= (NM_001277269.2).
Identifiers: ClinVar variation 505540 (VCV000505540.13), dbSNP rs780581249, ClinGen allele CA5905871.